The following is an entry in ClinVar:

NM_001130144.3(LTBP3):c.1846+6C>T

Gene: LTBP3 (latent transforming growth factor beta binding protein 3; minus strand). Cytogenetic location: 11q13.1.
Variant type: single nucleotide variant.
Coding change: c.1846+6C>T on transcript NM_001130144.3 (MANE Select); 6 bases into the intron after coding-DNA position 1846, C replaced by T.
Molecular consequence: intron variant.
Genome position (GRCh38, 1-based): chr11:65,547,914, G>A on the plus strand (C>T on the coding strand, the complement: LTBP3 is on the minus strand). VCF-style: chr11-65547914-G-A. GRCh37 (hg19) VCF-style: chr11-65315385-G-A.
Other names: c.1495+6C>T (NM_001164266.1); c.1846+6C>T (NM_021070.4).
Identifiers: ClinVar variation 1440089 (VCV001440089.4), dbSNP rs760385371, ClinGen allele CA6100840.

ClinVar aggregate classification (germline): Uncertain significance (1 of 4 stars; one submission).

Conditions:
Brachyolmia-amelogenesis imperfecta syndrome. Also called: PLATYSPONDYLY WITH AMELOGENESIS IMPERFECTA; Tooth agenesis, selective, 6; Dental anomalies and short stature. Identifiers: Orphanet 2899, MedGen C1832594, MONDO:0011018, OMIM 601216. Disease mechanism: loss of function.

gnomAD v4.1: 2 of 1,613,530 alleles (0.00012%); highest among the groups gnomAD compares: African/African-American, 0.0013%; no homozygotes.

Submission:

Labcorp Genetics (formerly Invitae), Labcorp
Classification: Uncertain significance for Brachyolmia-amelogenesis imperfecta syndrome. Last evaluated: 2026-01-08. Review status: criteria provided, single submitter. Criteria: Invitae Variant Classification Sherloc (09022015). Collection method: clinical testing. Allele origin: germline.
Comment: This sequence change falls in intron 12 of the LTBP3 gene. It does not directly change the encoded amino acid sequence of the LTBP3 protein. It affects a nucleotide within the consensus splice site. This variant is present in population databases (rs760385371, gnomAD 0.003%). This variant has not been reported in the literature in individuals affected with LTBP3-related conditions. ClinVar contains an entry for this variant (Variation ID: 1440089). Variants that disrupt the consensus splice site are a relatively common cause of aberrant splicing (PMID: 17576681, 9536098). Algorithms developed to predict the effect of sequence changes on RNA splicing suggest that this variant is not likely to affect RNA splicing. In summary, the available evidence is currently insufficient to determine the role of this variant in disease. Therefore, it has been classified as a Variant of Uncertain Significance.

Literature cited by the submitters: PubMed 17576681; PubMed 9536098.